The following is an entry in ClinVar:

ClinVar aggregate classification (germline): Uncertain significance (1 of 4 stars; one submission).

Conditions:
Cystic fibrosis (CF). Also called: MUCOVISCIDOSIS. Identifiers: Orphanet 586, MedGen C0010674, MONDO:0009061, OMIM 219700. Disease mechanism: loss of function.

Submission:

Ambry Genetics
Classification: Uncertain significance for Cystic fibrosis. Last evaluated: 2023-05-20. Review status: criteria provided, single submitter. Criteria: Ambry Variant Classification Scheme 2023. Collection method: clinical testing. Allele origin: germline.
Comment: The p.S1161G variant (also known as c.3481A>G), located in coding exon 22 of the CFTR gene, results from an A to G substitution at nucleotide position 3481. The serine at codon 1161 is replaced by glycine, an amino acid with similar properties. This amino acid position is conserved. In addition, the in silico prediction for this alteration is inconclusive. Since supporting evidence is limited at this time, the clinical significance of this alteration remains unclear.

NM_000492.4(CFTR):c.3481A>G (p.Ser1161Gly)

Genes: CFTR-AS2 (CFTR antisense RNA 2; minus strand), CFTR (CF transmembrane conductance regulator; plus strand). Cytogenetic location: 7q31.2.
Variant type: single nucleotide variant.
Coding change: c.3481A>G on transcript NM_000492.4 (MANE Select); coding-DNA position 3481, A replaced by G.
Protein change: p.Ser1161Gly; replaces serine 1161 with glycine.
Molecular consequence: missense variant.
Genome position (GRCh38, 1-based): chr7:117,627,534, A>G. VCF-style: chr7-117627534-A-G. GRCh37 (hg19) VCF-style: chr7-117267588-A-G.
Other names: short protein forms S1161G.
Identifiers: ClinVar variation 2567889 (VCV002567889.2), dbSNP rs397508574, ClinGen allele CA368995977.